The following is an entry in ClinVar:

NM_001371986.1(UNC80):c.2943-10A>T

Gene: UNC80 (unc-80 subunit of NALCN channel complex; plus strand). Cytogenetic location: 2q34.
Variant type: single nucleotide variant.
Coding change: c.2943-10A>T on transcript NM_001371986.1 (MANE Select); 10 bases into the intron before coding-DNA position 2943, A replaced by T.
Molecular consequence: intron variant.
Genome position (GRCh38, 1-based): chr2:209,834,902, A>T. VCF-style: chr2-209834902-A-T. GRCh37 (hg19) VCF-style: chr2-210699626-A-T.
Other names: c.2943-10A>T (NM_032504.1, NM_032504.2); c.2928-10A>T (NM_182587.4).
Identifiers: ClinVar variation 1560998 (VCV001560998.10), dbSNP rs1056704840, ClinGen allele CA64681267.

ClinVar aggregate classification (germline): Likely benign. Review status: criteria provided, single submitter (1 of 4 stars). 2 submissions from 2 submitters: Likely benign (1). 1 of the submissions does not count toward it. Last evaluated 2022-07-31.

Conditions:
UNC80-related disorder. Also called: UNC80-related condition.

Allele frequency attached by ClinVar (database versions not stated): TOPMed below 0.00001; gnomAD exomes 0.00001.
gnomAD v4.1: 7 of 1,546,628 alleles (0.00045%); highest among the groups gnomAD compares: African/African-American, 0.0027%; no homozygotes.

Submissions (2):

Labcorp Genetics (formerly Invitae), Labcorp
Classification: Likely benign. Last evaluated: 2022-07-31. Review status: criteria provided, single submitter. Criteria: Invitae Variant Classification Sherloc (09022015). Collection method: clinical testing. Allele origin: germline.

PreventionGenetics, part of Exact Sciences
Classification: Likely benign for UNC80-related condition. Last evaluated: 2020-09-25. Review status: no assertion criteria provided. Collection method: clinical testing. Allele origin: germline. Not counted in ClinVar's aggregate classification.
Comment: This variant is classified as likely benign based on ACMG/AMP sequence variant interpretation guidelines (Richards et al. 2015 PMID: 25741868, with internal and published modifications).